The following is an entry in ClinVar:

ClinVar aggregate classification (germline): Uncertain significance (1 of 4 stars; one submission).

Conditions:
Familial adenomatous polyposis 1 (FAP1). Also called: FAMILIAL ADENOMATOUS POLYPOSIS 1, ATTENUATED; POLYPOSIS, ADENOMATOUS INTESTINAL. Identifiers: MedGen C2713442, MONDO:0021056, OMIM 175100. Disease mechanism: loss of function.

Submission:

Labcorp Genetics (formerly Invitae), Labcorp
Classification: Uncertain significance for Familial adenomatous polyposis 1. Last evaluated: 2023-04-09. Review status: criteria provided, single submitter. Criteria: Invitae Variant Classification Sherloc (09022015). Collection method: clinical testing. Allele origin: germline.
Comment: In summary, the available evidence is currently insufficient to determine the role of this variant in disease. Therefore, it has been classified as a Variant of Uncertain Significance. Advanced modeling of protein sequence and biophysical properties (such as structural, functional, and spatial information, amino acid conservation, physicochemical variation, residue mobility, and thermodynamic stability) performed at Invitae indicates that this missense variant is not expected to disrupt APC protein function. This variant has not been reported in the literature in individuals affected with APC-related conditions. This variant is not present in population databases (gnomAD no frequency). This sequence change replaces alanine, which is neutral and non-polar, with serine, which is neutral and polar, at codon 1002 of the APC protein (p.Ala1002Ser).

NM_000038.6(APC):c.3004G>T (p.Ala1002Ser)

Gene: APC (APC regulator of Wnt signaling pathway; plus strand). Cytogenetic location: 5q22.2.
Variant type: single nucleotide variant.
Coding change: c.3004G>T on transcript NM_000038.6 (MANE Select); coding-DNA position 3004, G replaced by T.
Protein change: p.Ala1002Ser; replaces alanine 1002 with serine.
Molecular consequence: missense variant. On other transcripts: non-coding transcript variant (2).
Genome position (GRCh38, 1-based): chr5:112,838,598, G>T. VCF-style: chr5-112838598-G-T. GRCh37 (hg19) VCF-style: chr5-112174295-G-T.
Other names: c.3004G>T, p.Ala1002Ser (NM_001127510.3, NM_001354895.2, NM_001407450.1); c.2950G>T, p.Ala984Ser (NM_001127511.3); c.3058G>T, p.Ala1020Ser (NM_001354896.2, NM_001407447.1, NM_001407448.1 and 1 more transcripts); c.3034G>T, p.Ala1012Ser (NM_001354897.2); c.2929G>T, p.Ala977Ser (NM_001354898.2); c.2920G>T, p.Ala974Ser (NM_001354899.2); c.2881G>T, p.Ala961Ser (NM_001354900.2); c.2827G>T, p.Ala943Ser (NM_001354901.2, NM_001407453.1); and 11 more; short protein forms A1002S, A719S, A873S, A943S, A995S, A618S, A842S, A919S.
Identifiers: ClinVar variation 2853887 (VCV002853887.3), dbSNP rs2149882092, ClinGen allele CA16027906.